The following is an entry in ClinVar:

NM_007294.4(BRCA1):c.5194-18G>T

Gene: BRCA1 (BRCA1 DNA repair associated; minus strand). Cytogenetic location: 17q21.31.
Variant type: single nucleotide variant.
Coding change: c.5194-18G>T on transcript NM_007294.4 (MANE Select); 18 bases into the intron before coding-DNA position 5194, G replaced by T.
Molecular consequence: intron variant.
Genome position (GRCh38, 1-based): chr17:43,057,153, C>A on the plus strand (G>T on the coding strand, the complement: BRCA1 is on the minus strand). VCF-style: chr17-43057153-C-A. GRCh37 (hg19) VCF-style: chr17-41209170-C-A.
Other names: IVS19-18G>T; c.1741-18G>T (NM_001408458.1, NM_001408461.1, NM_001408464.1 and 7 more transcripts); c.4303-18G>T (NM_001407967.1); c.4813-18G>T (NM_001407959.1); c.4927-18G>T (NM_001407931.1, NM_001407932.1, NM_001407928.1 and 4 more transcripts); c.5050-18G>T (NM_001407747.1, NM_001407745.1, NM_001407737.1 and 21 more transcripts); c.4810-18G>T (NM_001407962.1, NM_001407960.1); c.1381-18G>T (NM_001408512.1); and 73 more.
Identifiers: ClinVar variation 125803 (VCV000125803.26), dbSNP rs80358090, ClinGen allele CA003344.
Genomic context (GRCh38, chr17:43,057,153, plus strand): 5'-GGTTTCTTCCATTGACCACATCTCCTCTGACTTCAAAATCATGCTGAAAGAAACCAAACA[C>A]AACCCATCAGGATAAGAGAAAGAGAAGCTTCCTTCAATGGAAGTGGAGCAGACACGTCAT-3'

ClinVar aggregate classification (germline): Benign/Likely benign. Review status: criteria provided, multiple submitters, no conflicts (2 of 4 stars). 7 submissions from 7 submitters: Benign (1); Likely benign (3). 3 of the submissions do not count toward it. Last evaluated 2026-01-27.

Conditions:
BRCA1-related disorder. Also called: BRCA1-related condition.
Hereditary cancer-predisposing syndrome. Also called: Tumor predisposition; Hereditary neoplastic syndrome; Hereditary Cancer Syndrome; Neoplastic Syndromes, Hereditary. Identifiers: Orphanet 140162, MedGen C0027672, MeSH D009386, MONDO:0015356.
Hereditary breast ovarian cancer syndrome. Also called: Hereditary breast and/or ovarian cancer syndrome; Breast and ovarian cancer; Hereditary breast and ovarian cancer syndrome; Hereditary breast and ovarian cancer; Hereditary breast and ovarian cancer syndrome (HBOC); BRCA1- and BRCA2-Associated Hereditary Breast and Ovarian Cancer. Identifiers: Orphanet 145, MedGen C0677776, MeSH D061325, MONDO:0003582. Disease mechanism: loss of function.
Breast-ovarian cancer, familial, susceptibility to, 1 (BROVCA1). Also called: BRCA1 Hereditary Breast and Ovarian Cancer; OVARIAN CANCER, SUSCEPTIBILITY TO. Identifiers: Orphanet 145, MedGen C2676676, MONDO:0011450, OMIM 604370. Disease mechanism: loss of function.

Allele frequency attached by ClinVar (database versions not stated): ExAC 0.00005; gnomAD exomes 0.00005; ESP Exome Variant Server 0.00008; gnomAD 0.00013 and 0.00014; TOPMed 0.00018; 1000 Genomes Project 0.00060; 1000 Genomes Project 30x 0.00062.
gnomAD v4.1: 50 of 1,610,960 alleles (0.0031%); highest among the groups gnomAD compares: African/African-American, 0.057%; no homozygotes.

Submissions (7):

Labcorp Genetics (formerly Invitae), Labcorp
Classification: Likely benign for Hereditary breast ovarian cancer syndrome. Last evaluated: 2026-01-27. Review status: criteria provided, single submitter. Criteria: Invitae Variant Classification Sherloc (09022015). Collection method: clinical testing. Allele origin: germline.

Women's Health and Genetics/Laboratory Corporation of America, LabCorp
Classification: Likely benign. Last evaluated: 2026-01-19. Review status: criteria provided, single submitter. Criteria: LabCorp Variant Classification Summary - May 2015. Collection method: clinical testing. Allele origin: germline.
Comment: Variant summary: BRCA1 c.5194-18G>T alters a conserved nucleotide located at a position not widely known to affect splicing. Consensus agreement among computation tools predict no significant impact on normal splicing. One functional study did not find splicing defects (Thery_2011). The variant allele was found at a frequency of 4.8e-05 in 251484 control chromosomes, predominantly at a frequency of 0.00068 within the African or African-American subpopulation in the gnomAD database. This frequency is not significantly higher than estimated for disease-causing variants in BRCA1, allowing no conclusion about variant significance. c.5194-18G>T has been reported in the literature as a VUS in individuals affected with Hereditary Breast And Ovarian Cancer, without strong evidence for causality (example, Judkins_2005, Fackenthal_2012). These reports do not provide unequivocal conclusions about association of the variant with Hereditary Breast And Ovarian Cancer Syndrome. The following publications have been ascertained in the context of this evaluation (PMID: 22034289, 15829246, 21673748). ClinVar contains an entry for this variant (Variation ID: 125803). Based on the evidence outlined above, the variant was classified as likely benign.

Color Diagnostics, LLC DBA Color Health
Classification: Likely benign for Hereditary cancer-predisposing syndrome. Last evaluated: 2016-01-05. Review status: criteria provided, single submitter. Criteria: ACMG Guidelines, 2015. Collection method: clinical testing. Allele origin: germline.

GeneDx
Classification: Benign. Last evaluated: 2015-03-03. Review status: criteria provided, single submitter. Criteria: GeneDx Variant Classification Process June 2021. Collection method: clinical testing. Allele origin: germline. Affected: yes.

PreventionGenetics, part of Exact Sciences
Classification: Likely benign for BRCA1-related condition. Last evaluated: 2019-04-26. Review status: no assertion criteria provided. Collection method: clinical testing. Allele origin: germline. Not counted in ClinVar's aggregate classification.
Comment: This variant is classified as likely benign based on ACMG/AMP sequence variant interpretation guidelines (Richards et al. 2015 PMID: 25741868, with internal and published modifications).

Counsyl
Classification: Likely benign for Breast-ovarian cancer, familial, susceptibility to, 1. Last evaluated: 2016-06-01. Review status: no assertion criteria provided. Collection method: clinical testing. Allele origin: unknown. Not counted in ClinVar's aggregate classification.

Breast Cancer Information Core (BIC) (BRCA1)
Classification: Uncertain significance for Breast-ovarian cancer, familial 1. Last evaluated: 1998-04-02. Review status: no assertion criteria provided. Collection method: clinical testing. Allele origin: germline. Affected: yes. Observed: 2 variant alleles. Not counted in ClinVar's aggregate classification.

Literature cited by the submitters: PubMed 22034289 (cited by Women's Health and Genetics/Laboratory Corporation of America, LabCorp and Counsyl); PubMed 21673748 (cited by Women's Health and Genetics/Laboratory Corporation of America, LabCorp and Counsyl); PubMed 15829246 (cited by Women's Health and Genetics/Laboratory Corporation of America, LabCorp); PubMed 16267036 (cited by Counsyl).